The following is an entry in ClinVar:

ClinVar aggregate classification (germline): Uncertain significance (1 of 4 stars; one submission).

Allele frequency attached by ClinVar (database versions not stated): TOPMed 0.00001; ExAC 0.00005.
gnomAD v4.1: 5 of 1,551,594 alleles (0.00032%); highest among the groups gnomAD compares: Admixed American, 0.002%; no homozygotes.

Submission:

Labcorp Genetics (formerly Invitae), Labcorp
Classification: Uncertain significance. Last evaluated: 2024-05-06. Review status: criteria provided, single submitter. Criteria: Invitae Variant Classification Sherloc (09022015). Collection method: clinical testing. Allele origin: germline.
Comment: This sequence change replaces arginine, which is basic and polar, with isoleucine, which is neutral and non-polar, at codon 1378 of the UNC80 protein (p.Arg1378Ile). This variant is present in population databases (rs762814371, gnomAD 0.005%). This variant has not been reported in the literature in individuals affected with UNC80-related conditions. ClinVar contains an entry for this variant (Variation ID: 2054304). An algorithm developed to predict the effect of missense changes on protein structure and function (PolyPhen-2) suggests that this variant is likely to be disruptive. In summary, the available evidence is currently insufficient to determine the role of this variant in disease. Therefore, it has been classified as a Variant of Uncertain Significance.

NM_001371986.1(UNC80):c.4127G>T (p.Arg1376Ile)

Gene: UNC80 (unc-80 subunit of NALCN channel complex; plus strand). Cytogenetic location: 2q34.
Variant type: single nucleotide variant.
Coding change: c.4127G>T on transcript NM_001371986.1 (MANE Select); coding-DNA position 4127, G replaced by T.
Protein change: p.Arg1376Ile; replaces arginine 1376 with isoleucine.
Molecular consequence: missense variant.
Genome position (GRCh38, 1-based): chr2:209,888,111, G>T. VCF-style: chr2-209888111-G-T. GRCh37 (hg19) VCF-style: chr2-210752835-G-T.
Other names: c.4133G>T, p.Arg1378Ile (NM_032504.2); c.4118G>T, p.Arg1373Ile (NM_182587.4); short protein forms R1378I, R1376I, R1373I.
Identifiers: ClinVar variation 2054304 (VCV002054304.3), dbSNP rs762814371, ClinGen allele CA2083182.
Genomic context (GRCh38, chr2:209,888,111, plus strand): 5'-CTGGGGAGATGCCAGCACTCATGTGCTCCTCACTGGCATTTTAGGACTTGGAGAGCTGCA[G>T]ACTTCGTTTGGATCCCGAGTTGGACCGGCACAGATATGAGAGGAAGATCAGCTTTGCTGG-3'
Protein context (NP_001358915.1, residues 1366-1386): TEPLVDLESC[Arg1376Ile]LRLDPELDRH